The following is an entry in ClinVar:

ClinVar aggregate classification (germline): Likely benign (1 of 4 stars; one submission).

gnomAD v4.1: 5 of 1,614,168 alleles (0.00031%); highest among the groups gnomAD compares: Middle Eastern, 0.033%; no homozygotes.

Submission:

Mayo Clinic Laboratories, Mayo Clinic
Classification: Likely benign. Last evaluated: 2025-03-12. Review status: criteria provided, single submitter. Criteria: ACMG Guidelines, 2015. Collection method: clinical testing. Allele origin: germline. Observed: 2 variant alleles.
Comment: BP4, BP7

NM_002473.6(MYH9):c.1329G>A (p.Gln443=)

Gene: MYH9 (myosin heavy chain 9; minus strand). Cytogenetic location: 22q12.3.
Variant type: single nucleotide variant.
Coding change: c.1329G>A on transcript NM_002473.6 (MANE Select); coding-DNA position 1329, G replaced by A.
Protein change: p.Gln443=; no amino-acid change (glutamine 443 retained).
Molecular consequence: synonymous variant.
Genome position (GRCh38, 1-based): chr22:36,316,568, C>T on the plus strand (G>A on the coding strand, the complement: MYH9 is on the minus strand). VCF-style: chr22-36316568-C-T. GRCh37 (hg19) VCF-style: chr22-36712613-C-T.
Other names: p.Gln443=.
Identifiers: ClinVar variation 4684481 (VCV004684481.1).